The following is an entry in ClinVar:

ClinVar aggregate classification (germline): Uncertain significance (1 of 4 stars; one submission).

Submission:

CeGaT Center for Human Genetics Tuebingen
Classification: Uncertain significance. Last evaluated: 2024-10-01. Review status: criteria provided, single submitter. Criteria: CeGaT Center For Human Genetics Tuebingen Variant Classification Criteria Version 2. Collection method: clinical testing. Allele origin: germline. Affected: yes. Observed: 1 variant allele.
Comment: PRKAR1A: PM2, PP2, PP3

NM_002734.5(PRKAR1A):c.700A>G (p.Ile234Val)

Gene: PRKAR1A (protein kinase cAMP-dependent type I regulatory subunit alpha; plus strand). Cytogenetic location: 17q24.2.
Variant type: single nucleotide variant.
Coding change: c.700A>G on transcript NM_002734.5 (MANE Select); coding-DNA position 700, A replaced by G.
Protein change: p.Ile234Val; replaces isoleucine 234 with valine.
Molecular consequence: missense variant.
Genome position (GRCh38, 1-based): chr17:68,525,904, A>G. VCF-style: chr17-68525904-A-G. GRCh37 (hg19) VCF-style: chr17-66522045-A-G.
Other names: c.700A>G, p.Ile234Val (NM_001276289.2, NM_001276290.1, NM_001278433.2 and 4 more transcripts); short protein forms I234V.
Identifiers: ClinVar variation 3389953 (VCV003389953.14).